The following is an entry in ClinVar:

NM_000222.3(KIT):c.2847C>G (p.Pro949=)

Gene: KIT (KIT proto-oncogene, receptor tyrosine kinase; plus strand). Cytogenetic location: 4q12.
Variant type: single nucleotide variant.
Coding change: c.2847C>G on transcript NM_000222.3 (MANE Select); coding-DNA position 2847, C replaced by G.
Protein change: p.Pro949=; no amino-acid change (proline 949 retained).
Molecular consequence: synonymous variant.
Genome position (GRCh38, 1-based): chr4:54,738,473, C>G. VCF-style: chr4-54738473-C-G. GRCh37 (hg19) VCF-style: chr4-55604639-C-G.
Other names: c.2835C>G, p.Pro945= (NM_001093772.2, NM_001385292.1); c.2850C>G, p.Pro950= (NM_001385284.1); c.2844C>G, p.Pro948= (NM_001385285.1); c.2832C>G, p.Pro944= (NM_001385286.1); c.2838C>G, p.Pro946= (NM_001385288.1); c.2847C>G, p.Pro949= (NM_001385290.1).
Identifiers: ClinVar variation 755177 (VCV000755177.14), dbSNP rs56288823, ClinGen allele CA439292244.
Genomic context (GRCh38, chr4:54,738,473, plus strand): 5'-GGCTTGTTTTCTCCAGATTTACTCCAACTTAGCAAACTGCAGCCCCAACCGACAGAAGCC[C>G]GTGGTAGACCATTCTGTGCGGATCAATTCTGTCGGCAGCACCGCTTCCTCCTCCCAGCCT-3'
Protein context (NP_000213.1, residues 939-959): LANCSPNRQK[Pro949=]VVDHSVRINS

ClinVar aggregate classification (germline): Benign/Likely benign. Review status: criteria provided, multiple submitters, no conflicts (2 of 4 stars). 3 submissions from 3 submitters: Benign (1); Likely benign (2). Last evaluated 2026-06-05.

Conditions:
Gastrointestinal stromal tumor. Also called: Gastrointestinal stromal tumor, somatic; Gastrointestinal stroma tumor. Identifiers: Orphanet 44890, MedGen C0238198, MeSH D046152, MONDO:0011719, OMIM 606764, HP:0100723.
Hereditary cancer-predisposing syndrome. Also called: Neoplastic Syndromes, Hereditary; Hereditary Cancer Syndrome; Hereditary neoplastic syndrome; Tumor predisposition. Identifiers: Orphanet 140162, MedGen C0027672, MeSH D009386, MONDO:0015356.

gnomAD v4.1: 1 of 1,614,028 alleles (0.000062%); highest among the groups gnomAD compares: Non-Finnish European, 0.000085%; no homozygotes.

Submissions (3):

Myriad Genetics, Inc.
Classification: Benign for Gastrointestinal stromal tumor. Last evaluated: 2026-06-05. Review status: criteria provided, single submitter. Criteria: Myriad Autosomal Dominant, Autosomal Recessive and X-Linked Classification Criteria (2023). Collection method: clinical testing. Allele origin: unknown.
Comment: This variant is considered benign. This variant is a silent/synonymous amino acid change and it is not expected to impact splicing.

Labcorp Genetics (formerly Invitae), Labcorp
Classification: Likely benign for Gastrointestinal stromal tumor. Last evaluated: 2025-06-24. Review status: criteria provided, single submitter. Criteria: Invitae Variant Classification Sherloc (09022015). Collection method: clinical testing. Allele origin: germline.

Ambry Genetics
Classification: Likely benign for Hereditary cancer-predisposing syndrome. Last evaluated: 2022-09-24. Review status: criteria provided, single submitter. Criteria: Ambry Variant Classification Scheme 2023. Collection method: clinical testing. Allele origin: germline.